The following is an entry in ClinVar:

NM_054027.6(ANKH):c.844A>G (p.Thr282Ala)

Gene: ANKH (ANKH inorganic pyrophosphate transport regulator; minus strand). Cytogenetic location: 5p15.2.
Variant type: single nucleotide variant.
Coding change: c.844A>G on transcript NM_054027.6 (MANE Select); coding-DNA position 844, A replaced by G.
Protein change: p.Thr282Ala; replaces threonine 282 with alanine.
Molecular consequence: missense variant.
Genome position (GRCh38, 1-based): chr5:14,745,941, T>C on the plus strand (A>G on the coding strand, the complement: ANKH is on the minus strand). VCF-style: chr5-14745941-T-C. GRCh37 (hg19) VCF-style: chr5-14746050-T-C.
Other names: short protein forms T282A.
Identifiers: ClinVar variation 3685511 (VCV003685511.2).

ClinVar aggregate classification (germline): Uncertain significance (1 of 4 stars; one submission).

gnomAD v4.1: 1 of 1,614,188 alleles (0.000062%); highest among the groups gnomAD compares: Admixed American, 0.0017%; no homozygotes.

Submission:

Labcorp Genetics (formerly Invitae), Labcorp
Classification: Uncertain significance. Last evaluated: 2024-08-21. Review status: criteria provided, single submitter. Criteria: Invitae Variant Classification Sherloc (09022015). Collection method: clinical testing. Allele origin: germline.
Comment: This sequence change replaces threonine, which is neutral and polar, with alanine, which is neutral and non-polar, at codon 282 of the ANKH protein (p.Thr282Ala). This variant is not present in population databases (gnomAD no frequency). This variant has not been reported in the literature in individuals affected with ANKH-related conditions. Invitae Evidence Modeling of protein sequence and biophysical properties (such as structural, functional, and spatial information, amino acid conservation, physicochemical variation, residue mobility, and thermodynamic stability) indicates that this missense variant is not expected to disrupt ANKH protein function with a negative predictive value of 80%. In summary, the available evidence is currently insufficient to determine the role of this variant in disease. Therefore, it has been classified as a Variant of Uncertain Significance.